The following is an entry in ClinVar:

NM_018297.4(NGLY1):c.8C>T (p.Ala3Val)

Gene: NGLY1 (N-glycanase 1; minus strand). Cytogenetic location: 3p24.2.
Variant type: single nucleotide variant.
Coding change: c.8C>T on transcript NM_018297.4 (MANE Select); coding-DNA position 8, C replaced by T.
Protein change: p.Ala3Val; replaces alanine 3 with valine.
Molecular consequence: missense variant. On other transcripts: intron variant (1).
Genome position (GRCh38, 1-based): chr3:25,783,383, G>A on the plus strand (C>T on the coding strand, the complement: NGLY1 is on the minus strand). VCF-style: chr3-25783383-G-A. GRCh37 (hg19) VCF-style: chr3-25824874-G-A.
Other names: p.Ala3Val; c.8C>T, p.Ala3Val (NM_001145293.2, NM_001145295.2); c.6-4695C>T (NM_001145294.2); c.8C>T (NM_018297.3); short protein forms A3V.
Identifiers: ClinVar variation 1482022 (VCV001482022.5), dbSNP rs746390289, ClinGen allele CA2289615.
Genomic context (GRCh38, chr3:25,783,383, plus strand): 5'-TTCTGGCAGAGCTCAGCCACGGCCGGGGACGCCGAGCCTGAGGAGCTGCCCAATGCCGCC[G>A]CCGCCATGCTTGAGCGCCAGCGGGCGCCGCCGCCGCCCCTCGCTCTCCGCGTCCCACACT-3'
Protein context (NP_060767.2, residues 1-13): MA[Ala3Val]AALGSSSGSA

ClinVar aggregate classification (germline): Uncertain significance. Review status: criteria provided, multiple submitters, no conflicts (2 of 4 stars). 3 submissions from 3 submitters: Uncertain significance (3). Last evaluated 2025-11-26.

Conditions:
Inborn genetic diseases. Identifiers: MedGen C0950123, MeSH D030342.
Congenital disorder of deglycosylation (CDDG). Identifiers: MedGen C3808991, MONDO:0031376.

Allele frequency attached by ClinVar (database versions not stated): TOPMed 0.00002; gnomAD exomes 0.00001; gnomAD 0.00003.
gnomAD v4.1: 18 of 1,539,134 alleles (0.0012%); highest among the groups gnomAD compares: Non-Finnish European, 0.0014%; no homozygotes.

Submissions (3):

Ambry Genetics
Classification: Uncertain significance for Inborn genetic diseases. Last evaluated: 2025-11-26. Review status: criteria provided, single submitter. Criteria: Ambry Variant Classification Scheme 2023. Collection method: clinical testing. Allele origin: germline.

Mayo Clinic Laboratories, Mayo Clinic
Classification: Uncertain significance. Last evaluated: 2023-06-09. Review status: criteria provided, single submitter. Criteria: ACMG Guidelines, 2015. Collection method: clinical testing. Allele origin: germline. Observed: 1 variant allele.
Comment: BP4, PM2_moderate

Labcorp Genetics (formerly Invitae), Labcorp
Classification: Uncertain significance for Congenital disorder of deglycosylation. Last evaluated: 2022-07-09. Review status: criteria provided, single submitter. Criteria: Invitae Variant Classification Sherloc (09022015). Collection method: clinical testing. Allele origin: germline.
Comment: This sequence change replaces alanine, which is neutral and non-polar, with valine, which is neutral and non-polar, at codon 3 of the NGLY1 protein (p.Ala3Val). The frequency data for this variant in the population databases is considered unreliable, as metrics indicate poor data quality at this position in the gnomAD database. This variant has not been reported in the literature in individuals affected with NGLY1-related conditions. ClinVar contains an entry for this variant (Variation ID: 1482022). Algorithms developed to predict the effect of missense changes on protein structure and function are either unavailable or do not agree on the potential impact of this missense change (SIFT: "Tolerated"; PolyPhen-2: "Not Available"; Align-GVGD: "Class C0"). In summary, the available evidence is currently insufficient to determine the role of this variant in disease. Therefore, it has been classified as a Variant of Uncertain Significance.